The following is an entry in ClinVar:

ClinVar aggregate classification (germline): Uncertain significance (1 of 4 stars; one submission).

Allele frequency attached by ClinVar (database versions not stated): gnomAD exomes below 0.00001 and 0.00001; ExAC 0.00001; gnomAD 0.00001; TOPMed 0.00001.
gnomAD v4.1: 7 of 1,614,038 alleles (0.00043%); highest among the groups gnomAD compares: African/African-American, 0.0013%; no homozygotes.

Submission:

GeneDx
Classification: Uncertain significance. Last evaluated: 2017-06-27. Review status: criteria provided, single submitter. Criteria: GeneDx Variant Classification (06012015). Collection method: clinical testing. Allele origin: germline. Affected: yes.
Comment: The C801R variant in the SORL1 gene has not been reported previously as a pathogenic variant, nor as a benign variant, to our knowledge. The C801R variant is observed in 1/66636 (0.0015%) alleles from individuals of non-Finnish European background in the ExAC dataset (Lek et al., 2016). The C801R variant is a non-conservative amino acid substitution, which is likely to impact secondary protein structure as these residues differ in polarity, charge, size and/or other properties. This substitution occurs at a position that is conserved across species. In silico analysis predicts this variant is probably damaging to the protein structure/function. We interpret C801R as a variant of uncertain significance.

NM_003105.6(SORL1):c.2401T>C (p.Cys801Arg)

Genes: SORL1 (sortilin related receptor 1; plus strand), LOC114803469 (SORL1 eExon liver enhancer; plus strand). Cytogenetic location: 11q24.1.
Variant type: single nucleotide variant.
Coding change: c.2401T>C on transcript NM_003105.6 (MANE Select); coding-DNA position 2401, T replaced by C.
Protein change: p.Cys801Arg; replaces cysteine 801 with arginine.
Molecular consequence: missense variant.
Genome position (GRCh38, 1-based): chr11:121,554,071, T>C. VCF-style: chr11-121554071-T-C. GRCh37 (hg19) VCF-style: chr11-121424780-T-C.
Other names: short protein forms C801R.
Identifiers: ClinVar variation 450092 (VCV000450092.2), dbSNP rs762365011, ClinGen allele CA6328923.
Genomic context (GRCh38, chr11:121,554,071, plus strand): 5'-CAGTTGCCTCTCACCGGGCTACGGGCAGCAGTGGCCCTGGACTTTGACTATGAGCACAAC[T>C]GTTTGTATTGGTCCGACCTGGCCTTGGACGTCATCCAGGTGAGTCAGCGCTTGGTCTGAC-3'
Protein context (NP_003096.2, residues 791-811): VALDFDYEHN[Cys801Arg]LYWSDLALDV